The following is an entry in ClinVar:

NM_007294.4(BRCA1):c.5484dup (p.Glu1829Ter)

Gene: BRCA1 (BRCA1 DNA repair associated; minus strand). Cytogenetic location: 17q21.31.
Variant type: Duplication.
Coding change: c.5484dup on transcript NM_007294.4 (MANE Select); coding-DNA position 5484, one base duplicated (T; older notation c.5484dupT).
Protein change: p.Glu1829Ter; replaces glutamic acid 1829 with a stop codon.
Molecular consequence: nonsense. On other transcripts: frameshift variant (18), stop lost (17).
Genome position (GRCh38, 1-based): chr17:43,045,786, A duplicated on the plus strand (T on the coding strand, the reverse complement: BRCA1 is on the minus strand). VCF-style (leftmost placement, unchanged base first): chr17-43045785-C-CA. GRCh37 (hg19) VCF-style: chr17-41197802-C-CA.
Other names: c.2052dup, p.Glu685Ter (NM_001408431.1, NM_001408425.1, NM_001408426.1 and 4 more transcripts); c.5284dup, p.Ter1762LeuextTer? (NM_001407940.1, NM_001407939.1); c.2049dup, p.Glu684Ter (NM_001408432.1, NM_001408433.1, NM_001408434.1 and 10 more transcripts); c.5281dup, p.Ter1761LeuextTer? (NM_001407941.1); c.2046dup, p.Glu683Ter (NM_001408445.1, NM_001408446.1, NM_001408447.1 and 2 more transcripts); c.5148dup, p.Glu1717Ter (NM_001407952.1, NM_001407953.1, NM_001407954.1 and 3 more transcripts); c.5145dup, p.Glu1716Ter (NM_001407956.1, NM_001407957.1, NM_001407958.1); c.5103dup, p.Glu1702Ter (NM_001407959.1); and 84 more; short protein forms E1716*, E1717*, E1718*, E1739*, E1740*, E1741*, E1745*, E1757*.
Identifiers: ClinVar variation 2583814 (VCV002583814.5), dbSNP rs2546095844, ClinGen allele CA2582342188.
Genomic context (GRCh38, chr17:43,045,785, plus strand): 5'-CCTGGCACTGGTAGAGTGCTACACTGTCCAACACCCACTCTCGGGTCACCACAGGTGCCT[C>CA]ACACATCTGCCCAATTGCTGGAGACAGAGAACACAAGCAGAGATTAGTGTCAATTCATTC-3'

ClinVar aggregate classification (germline): Pathogenic. Review status: criteria provided, multiple submitters, no conflicts (2 of 4 stars). 2 submissions from 2 submitters: Pathogenic (2). Last evaluated 2023-05-08.

Conditions:
Breast-ovarian cancer, familial, susceptibility to, 1 (BROVCA1). Also called: BRCA1 Hereditary Breast and Ovarian Cancer; OVARIAN CANCER, SUSCEPTIBILITY TO. Identifiers: Orphanet 145, MedGen C2676676, MONDO:0011450, OMIM 604370. Disease mechanism: loss of function.
Hereditary breast ovarian cancer syndrome. Also called: Hereditary breast and ovarian cancer syndrome (HBOC); Breast and ovarian cancer; Hereditary breast and/or ovarian cancer syndrome; Hereditary breast and ovarian cancer syndrome; BRCA1- and BRCA2-Associated Hereditary Breast and Ovarian Cancer; Hereditary breast and ovarian cancer. Identifiers: Orphanet 145, MedGen C0677776, MeSH D061325, MONDO:0003582. Disease mechanism: loss of function.

Submissions (2):

Myriad Genetics, Inc.
Classification: Pathogenic for Breast-ovarian cancer, familial, susceptibility to, 1. Last evaluated: 2023-05-08. Review status: criteria provided, single submitter. Criteria: Myriad Autosomal Dominant, Autosomal Recessive and X-Linked Classification Criteria (2023). Collection method: clinical testing. Allele origin: unknown.
Comment: This variant is considered pathogenic. This variant creates a termination codon and is predicted to result in premature protein truncation.

Labcorp Genetics (formerly Invitae), Labcorp
Classification: Pathogenic for Hereditary breast ovarian cancer syndrome. Last evaluated: 2023-03-03. Review status: criteria provided, single submitter. Criteria: Invitae Variant Classification Sherloc (09022015). Collection method: clinical testing. Allele origin: germline.
Comment: This variant has not been reported in the literature in individuals affected with BRCA1-related conditions. This variant disrupts a region of the BRCA1 protein in which other variant(s) (p.Tyr1853*) have been determined to be pathogenic (PMID: 7894493, 10811118, 11739404, 12400015, 21922593). This suggests that this is a clinically significant region of the protein, and that variants that disrupt it are likely to be disease-causing. For these reasons, this variant has been classified as Pathogenic. This variant is not present in population databases (gnomAD no frequency). This sequence change creates a premature translational stop signal (p.Glu1829*) in the BRCA1 gene. While this is not anticipated to result in nonsense mediated decay, it is expected to disrupt the last 35 amino acid(s) of the BRCA1 protein.

Literature cited by the submitters: PubMed 7894493 (cited by Labcorp Genetics (formerly Invitae), Labcorp); PubMed 10811118 (cited by Labcorp Genetics (formerly Invitae), Labcorp); PubMed 11739404 (cited by Labcorp Genetics (formerly Invitae), Labcorp); PubMed 12400015 (cited by Labcorp Genetics (formerly Invitae), Labcorp); PubMed 21922593 (cited by Labcorp Genetics (formerly Invitae), Labcorp).